The following is an entry in ClinVar:

NM_005051.3(QARS1):c.1199C>T (p.Ala400Val)

Gene: QARS1 (glutaminyl-tRNA synthetase 1; minus strand). Cytogenetic location: 3p21.31.
Variant type: single nucleotide variant.
Coding change: c.1199C>T on transcript NM_005051.3 (MANE Select); coding-DNA position 1199, C replaced by T.
Protein change: p.Ala400Val; replaces alanine 400 with valine.
Molecular consequence: missense variant. On other transcripts: non-coding transcript variant (1).
Genome position (GRCh38, 1-based): chr3:49,100,057, G>A on the plus strand (C>T on the coding strand, the complement: QARS1 is on the minus strand). VCF-style: chr3-49100057-G-A. GRCh37 (hg19) VCF-style: chr3-49137490-G-A.
Other names: c.1166C>T, p.Ala389Val (NM_001272073.2); short protein forms A389V, A400V.
Identifiers: ClinVar variation 1304609 (VCV001304609.2), dbSNP rs1386524025, ClinGen allele CA352709252.
Genomic context (GRCh38, chr3:49,100,057, plus strand): 5'-ACTCGATAGGCTACAGGGTCCATCTTGCCATCCTCCATCACCAGCTTCATCCGTAGTGTG[G>A]CCTCGCCCTCTGAAAACTTGCCCTTGCGCATTGCCTGAGGGGAACAAGGACTCAGGCTGT-3'
Protein context (NP_005042.1, residues 390-410): MRKGKFSEGE[Ala400Val]TLRMKLVMED

ClinVar aggregate classification (germline): Uncertain significance (1 of 4 stars; one submission).

Submission:

GeneDx
Classification: Uncertain significance. Last evaluated: 2019-07-03. Review status: criteria provided, single submitter. Criteria: GeneDx Variant Classification Process June 2021. Collection method: clinical testing. Allele origin: germline. Affected: yes.
Comment: Not observed in large population cohorts (Lek et al., 2016); In silico analysis, which includes protein predictors and evolutionary conservation, supports a deleterious effect; Has not been previously published as pathogenic or benign to our knowledge